The following is an entry in ClinVar:

ClinVar aggregate classification (germline): Likely pathogenic (1 of 4 stars; one submission).

Conditions:
Polycystic kidney disease, adult type (PKD1). Also called: Polycystic Kidney Disease 1, Autosomal Dominant; Polycystic kidney disease 1; Polycystic kidney disease 1, severe; POLYCYSTIC KIDNEY DISEASE, ADULT, TYPE I; POLYCYSTIC KIDNEY DISEASE 1 WITH OR WITHOUT POLYCYSTIC LIVER DISEASE; Polycystic Kidney, Autosomal Dominant. Identifiers: MedGen C3149841, MONDO:0008263, OMIM 173900.

Submission:

Juno Genomics, Hangzhou Juno Genomics, Inc
Classification: Likely pathogenic for Polycystic kidney disease, adult type. Review status: criteria provided, single submitter. Criteria: ACMG Guidelines, 2015. Collection method: clinical testing. Allele origin: germline.
Comment: Absent from controls (or at extremely low frequency if recessive) in Genome Aggregation Database.;Null variant in a gene where loss of function (LOF) is a known mechanism of disease.

NM_001009944.3(PKD1):c.4585_4592dup (p.Asn1531fs)

Gene: PKD1 (polycystin 1, transient receptor potential channel interacting; minus strand). Cytogenetic location: 16p13.3.
Variant type: Duplication.
Coding change: c.4585_4592dup on transcript NM_001009944.3 (MANE Select); coding-DNA positions 4585 to 4592, 8 bases duplicated (GGCTGGAA; older notation c.4585_4592dupGGCTGGAA).
Protein change: p.Asn1531fs; shifts the reading frame from asparagine 1531.
Molecular consequence: frameshift variant.
Genome position (GRCh38, 1-based): chr16:2,110,575-2,110,582, TTCCAGCC duplicated on the plus strand (GGCTGGAA on the coding strand, the reverse complement: PKD1 is on the minus strand). VCF-style (leftmost placement, unchanged base first): chr16-2110574-A-ATTCCAGCC. GRCh37 (hg19) VCF-style: chr16-2160575-A-ATTCCAGCC.
Other names: c.4585_4592dup, p.Asn1531fs (NM_000296.4); short protein forms N1531fs.
Identifiers: ClinVar variation 5019048 (VCV005019048.2).